The following is an entry in ClinVar:

ClinVar aggregate classification (germline): Uncertain significance (1 of 4 stars; one submission).

gnomAD v4.1: 11 of 1,614,114 alleles (0.00068%); highest among the groups gnomAD compares: Admixed American, 0.0017%; no homozygotes.

Submission:

Labcorp Genetics (formerly Invitae), Labcorp
Classification: Uncertain significance. Last evaluated: 2026-02-02. Review status: criteria provided, single submitter. Criteria: Invitae Variant Classification Sherloc (09022015). Collection method: clinical testing. Allele origin: germline.
Comment: This sequence change replaces serine, which is neutral and polar, with arginine, which is basic and polar, at codon 346 of the FLNB protein (p.Ser346Arg). This variant is present in population databases (no rsID available, gnomAD 0.002%). This variant has not been reported in the literature in individuals affected with FLNB-related conditions. ClinVar contains an entry for this variant (Variation ID: 3625049). Invitae Evidence Modeling of protein sequence and biophysical properties (such as structural, functional, and spatial information, amino acid conservation, physicochemical variation, residue mobility, and thermodynamic stability) indicates that this missense variant is not expected to disrupt FLNB protein function with a negative predictive value of 95%. In summary, the available evidence is currently insufficient to determine the role of this variant in disease. Therefore, it has been classified as a Variant of Uncertain Significance.

NM_001457.4(FLNB):c.1038T>A (p.Ser346Arg)

Gene: FLNB (filamin B; plus strand). Cytogenetic location: 3p14.3.
Variant type: single nucleotide variant.
Coding change: c.1038T>A on transcript NM_001457.4 (MANE Select); coding-DNA position 1038, T replaced by A.
Protein change: p.Ser346Arg; replaces serine 346 with arginine.
Molecular consequence: missense variant.
Genome position (GRCh38, 1-based): chr3:58,097,868, T>A. VCF-style: chr3-58097868-T-A. GRCh37 (hg19) VCF-style: chr3-58083595-T-A.
Other names: c.1038T>A, p.Ser346Arg (NM_001164317.2, NM_001164318.2, NM_001164319.2); short protein forms S346R.
Identifiers: ClinVar variation 3625049 (VCV003625049.2).